The following is an entry in ClinVar:

ClinVar aggregate classification (germline): Uncertain significance (1 of 4 stars; one submission).

Conditions:
Hereditary spastic paraplegia 39 (SPG39). Also called: Spastic Paraplegia Type 39 (SPG39); SPASTIC PARAPLEGIA 39, AUTOSOMAL RECESSIVE. Identifiers: Orphanet 139480, MedGen C2677586, MONDO:0012787, OMIM 612020.

Allele frequency attached by ClinVar (database versions not stated): gnomAD 0.00001.
gnomAD v4.1: 6 of 1,612,030 alleles (0.00037%); highest among the groups gnomAD compares: South Asian, 0.0011%; no homozygotes.

Submission:

Labcorp Genetics (formerly Invitae), Labcorp
Classification: Uncertain significance for Hereditary spastic paraplegia 39. Last evaluated: 2022-08-23. Review status: criteria provided, single submitter. Criteria: Invitae Variant Classification Sherloc (09022015). Collection method: clinical testing. Allele origin: germline.
Comment: This sequence change replaces arginine, which is basic and polar, with cysteine, which is neutral and slightly polar, at codon 591 of the PNPLA6 protein (p.Arg591Cys). This variant is not present in population databases (gnomAD no frequency). This variant has not been reported in the literature in individuals affected with PNPLA6-related conditions. Algorithms developed to predict the effect of missense changes on protein structure and function (SIFT, PolyPhen-2, Align-GVGD) all suggest that this variant is likely to be disruptive. In summary, the available evidence is currently insufficient to determine the role of this variant in disease. Therefore, it has been classified as a Variant of Uncertain Significance.

NM_001166114.2(PNPLA6):c.1888C>T (p.Arg630Cys)

Gene: PNPLA6 (patatin like domain 6, lysophospholipase; plus strand). Cytogenetic location: 19p13.2.
Variant type: single nucleotide variant.
Coding change: c.1888C>T on transcript NM_001166114.2 (MANE Select); coding-DNA position 1888, C replaced by T.
Protein change: p.Arg630Cys; replaces arginine 630 with cysteine.
Molecular consequence: missense variant.
Genome position (GRCh38, 1-based): chr19:7,550,371, C>T. VCF-style: chr19-7550371-C-T. GRCh37 (hg19) VCF-style: chr19-7615257-C-T.
Other names: c.1915C>T, p.Arg639Cys (NM_001166111.2); c.1693C>T, p.Arg565Cys (NM_001166112.2); c.1771C>T, p.Arg591Cys (NM_001166113.1, NM_006702.5); short protein forms R630C, R565C, R591C, R639C.
Identifiers: ClinVar variation 2045235 (VCV002045235.1), dbSNP rs770178856, ClinGen allele CA304874786.